The following is an entry in ClinVar:

ClinVar aggregate classification (germline): Uncertain significance (1 of 4 stars; one submission).

Conditions:
Nemaline myopathy 2 (NEM2). Also called: Nemaline myopathy 2, autosomal recessive. Identifiers: MedGen C1850569, MONDO:0009725, OMIM 256030.

Allele frequency attached by ClinVar (database versions not stated): gnomAD 0.00001; TOPMed 0.00001.
gnomAD v4.1: 4 of 1,607,612 alleles (0.00025%); highest among the groups gnomAD compares: Admixed American, 0.0068%; no homozygotes.

Submission:

Labcorp Genetics (formerly Invitae), Labcorp
Classification: Uncertain significance for Nemaline myopathy 2. Last evaluated: 2024-10-18. Review status: criteria provided, single submitter. Criteria: Invitae Variant Classification Sherloc (09022015). Collection method: clinical testing. Allele origin: germline.
Comment: This sequence change replaces proline, which is neutral and non-polar, with serine, which is neutral and polar, at codon 6775 of the NEB protein (p.Pro6775Ser). This variant is not present in population databases (gnomAD no frequency). This variant has not been reported in the literature in individuals affected with NEB-related conditions. ClinVar contains an entry for this variant (Variation ID: 2193597). Experimental studies and prediction algorithms are not available or were not evaluated, and the functional significance of this variant is currently unknown. In summary, the available evidence is currently insufficient to determine the role of this variant in disease. Therefore, it has been classified as a Variant of Uncertain Significance.

NM_001164508.2(NEB):c.20323C>T (p.Pro6775Ser)

Gene: NEB (nebulin; minus strand). Cytogenetic location: 2q23.3.
Variant type: single nucleotide variant.
Coding change: c.20323C>T on transcript NM_001164508.2 (MANE Select); coding-DNA position 20323, C replaced by T.
Protein change: p.Pro6775Ser; replaces proline 6775 with serine.
Molecular consequence: missense variant.
Genome position (GRCh38, 1-based): chr2:151,547,473, G>A on the plus strand (C>T on the coding strand, the complement: NEB is on the minus strand). VCF-style: chr2-151547473-G-A. GRCh37 (hg19) VCF-style: chr2-152403987-G-A.
Other names: c.20323C>T, p.Pro6775Ser (NM_001164507.2, NM_001271208.2); c.15220C>T, p.Pro5074Ser (NM_004543.5); short protein forms P5074S, P6775S.
Identifiers: ClinVar variation 2193597 (VCV002193597.3), dbSNP rs966751537, ClinGen allele CA57643690.